The following is an entry in ClinVar:

NM_006231.4(POLE):c.4444+1G>C

Gene: POLE (DNA polymerase epsilon, catalytic subunit; minus strand). Cytogenetic location: 12q24.33.
Variant type: single nucleotide variant.
Coding change: c.4444+1G>C on transcript NM_006231.4 (MANE Select); the canonical splice donor site of the intron after coding-DNA position 4444, G replaced by C.
Molecular consequence: splice donor variant.
Genome position (GRCh38, 1-based): chr12:132,643,406, C>G on the plus strand (G>C on the coding strand, the complement: POLE is on the minus strand). VCF-style: chr12-132643406-C-G. GRCh37 (hg19) VCF-style: chr12-133219992-C-G.
Other names: c.4444+1G>C (NM_006231.2).
Identifiers: ClinVar variation 4730008 (VCV004730008.2).

ClinVar aggregate classification (germline): Conflicting classifications of pathogenicity. Review status: criteria provided, conflicting classifications (1 of 4 stars). 2 submissions from 2 submitters: Likely pathogenic (1); Uncertain significance (1). Last evaluated 2026-08-28.

Conditions:
Hereditary cancer-predisposing syndrome. Also called: Hereditary Cancer Syndrome; Hereditary neoplastic syndrome; Neoplastic Syndromes, Hereditary; Tumor predisposition. Identifiers: Orphanet 140162, MedGen C0027672, MeSH D009386, MONDO:0015356.

Submissions (2):

Ambry Genetics
Classification: Uncertain significance for Hereditary cancer-predisposing syndrome. Last evaluated: 2026-08-28. Review status: criteria provided, single submitter. Criteria: Ambry Variant Classification Scheme 2023. Collection method: clinical testing. Allele origin: germline.
Comment: The c.4444+1G>C intronic variant results from a G to C substitution one nucleotide after coding exon 34 of the POLE gene. This nucleotide position is highly conserved in available vertebrate species. In silico splice site analysis predicts that this alteration will weaken the native splice donor site; however, direct evidence is insufficient at this time (Ambry internal data). Alterations that disrupt the canonical splice site are expected to cause aberrant splicing, resulting in an abnormal protein or a transcript that is subject to nonsense-mediated mRNA decay. Although biallelic loss of function of POLE has been associated with autosomal recessive POLE deficiency, haploinsufficiency of POLE has not been established as a mechanism of disease for POLE-related polymerase proofreading-associated polyposis (PPAP) and POLE-related CMMRD-like syndrome. Based on the supporting evidence, this variant is expected to be causative of POLE deficiency when present along with a second pathogenic variant on the other allele; however, its clinical significance for PPAP and POLE-related CMMRD-like syndrome is unclear.

Labcorp Genetics (formerly Invitae), Labcorp
Classification: Likely pathogenic. Last evaluated: 2025-10-27. Review status: criteria provided, single submitter. Criteria: Invitae Variant Classification Sherloc (09022015). Collection method: clinical testing. Allele origin: germline.
Comment: This sequence change affects a donor splice site in intron 34 of the POLE gene. It is expected to disrupt RNA splicing. Variants that disrupt the donor or acceptor splice site typically lead to a loss of protein function (PMID: 16199547), and loss-of-function variants in POLE are known to be pathogenic (PMID: 23230001, 25948378, 30503519). This variant is not present in population databases (gnomAD no frequency). This variant has not been reported in the literature in individuals affected with POLE-related conditions. Algorithms developed to predict the effect of sequence changes on RNA splicing suggest that this variant may disrupt the consensus splice site. In summary, the currently available evidence indicates that the variant is pathogenic, but additional data are needed to prove that conclusively. Therefore, this variant has been classified as Likely Pathogenic.

Literature cited by the submitters: PubMed 16199547 (cited by Labcorp Genetics (formerly Invitae), Labcorp); PubMed 23230001 (cited by Labcorp Genetics (formerly Invitae), Labcorp); PubMed 25948378 (cited by Labcorp Genetics (formerly Invitae), Labcorp); PubMed 30503519 (cited by Labcorp Genetics (formerly Invitae), Labcorp).